The following is an entry in ClinVar:

ClinVar aggregate classification (germline): Pathogenic (1 of 4 stars; one submission).

Submission:

GeneDx
Classification: Pathogenic. Last evaluated: 2024-09-11. Review status: criteria provided, single submitter. Criteria: GeneDx Variant Classification Process June 2021. Collection method: clinical testing. Allele origin: germline. Affected: yes.
Comment: Nonsense variant predicted to result in protein truncation or nonsense mediated decay in a gene for which loss of function is a known mechanism of disease; Not observed at significant frequency in large population cohorts (gnomAD); Has not been previously published as pathogenic or benign to our knowledge

NM_030632.3(ASXL3):c.2578del (p.Glu859_Met860insTer)

Gene: ASXL3 (ASXL transcriptional regulator 3; plus strand). Cytogenetic location: 18q12.1.
Variant type: Deletion.
Coding change: c.2578del on transcript NM_030632.3 (MANE Select); coding-DNA position 2578, one base deleted (A; older notation c.2578delA).
Protein change: p.Glu859_Met860insTer.
Molecular consequence: nonsense.
Genome position (GRCh38, 1-based): chr18:33,739,982, A deleted; the last of 3 consecutive A bases (chr18:33,739,980-33,739,982); deleting any one gives the same sequence. VCF-style (leftmost placement, unchanged base first): chr18-33739979-GA-G. GRCh37 (hg19) VCF-style: chr18-31319943-GA-G.
Identifiers: ClinVar variation 3770008 (VCV003770008.1).